The following is an entry in ClinVar:

ClinVar aggregate classification (germline): Likely benign. Review status: criteria provided, multiple submitters, no conflicts (2 of 4 stars). 6 submissions from 6 submitters: Likely benign (5). 1 of the submissions does not count toward it. Last evaluated 2026-08-01.

Conditions:
ARHGAP31-related disorder. Also called: ARHGAP31-related condition.
Inborn genetic diseases. Identifiers: MedGen C0950123, MeSH D030342.

Allele frequency attached by ClinVar (database versions not stated): gnomAD exomes 0.00043 and 0.00070; gnomAD 0.00046 and 0.00049; TOPMed 0.00051; ExAC 0.00055; ESP Exome Variant Server 0.00152.
gnomAD v4.1: 1,082 of 1,614,062 alleles (0.067%); highest among the groups gnomAD compares: Non-Finnish European, 0.087%; no homozygotes.

Submissions (6):

CeGaT Center for Human Genetics Tuebingen
Classification: Likely benign. Last evaluated: 2026-08-01. Review status: criteria provided, single submitter. Criteria: CeGaT Center For Human Genetics Tuebingen Variant Classification Criteria Version 2. Collection method: clinical testing. Allele origin: germline. Affected: yes. Observed: 2 variant alleles.
Comment: ARHGAP31: BP4, BS1

Labcorp Genetics (formerly Invitae), Labcorp
Classification: Likely benign. Last evaluated: 2025-10-24. Review status: criteria provided, single submitter. Criteria: Invitae Variant Classification Sherloc (09022015). Collection method: clinical testing. Allele origin: germline.

PreventionGenetics, part of Exact Sciences
Classification: Likely benign for ARHGAP31-related condition. Last evaluated: 2025-03-14. Review status: criteria provided, single submitter. Criteria: ACMG Guidelines, 2015. Collection method: clinical testing. Allele origin: germline.
Comment: This variant is classified as likely benign based on ACMG/AMP sequence variant interpretation guidelines (Richards et al. 2015 PMID: 25741868, with internal and published modifications).

Blueprint Genetics
Classification: Likely benign. Last evaluated: 2024-10-18. Review status: criteria provided, single submitter. Criteria: ACMG Guidelines, 2015. Collection method: clinical testing. Allele origin: germline.

Ambry Genetics
Classification: Likely benign for Inborn genetic diseases. Last evaluated: 2021-12-03. Review status: criteria provided, single submitter. Criteria: Ambry Variant Classification Scheme 2023. Collection method: clinical testing. Allele origin: germline.

Department of Pathology and Laboratory Medicine, Sinai Health System
Classification: Benign. Review status: no assertion criteria provided. Collection method: clinical testing. Allele origin: unknown. Affected: yes. Study: The Canadian Open Genetics Repository (COGR). Not counted in ClinVar's aggregate classification.
Comment: The ARHGAP31 p.Thr1035Ile variant was identified in dbSNP (ID: rs201997376) and in ClinVar (classified as likely benign by Illumina). The variant was not identified in the literature or in LOVD 3.0. The variant was identified in control databases in 119 of 280610 chromosomes (0 homozygous) at a frequency of 0.000424, increasing the likelihood this could be a low frequency benign variant (Genome Aggregation Database March 6, 2019, v2.1.1). The variant was observed in the following populations: European (non-Finnish) in 106 of 128404 chromosomes (freq: 0.000826), Other in 5 of 7146 chromosomes (freq: 0.0007), Latino in 5 of 35372 chromosomes (freq: 0.000141), African in 2 of 24184 chromosomes (freq: 0.000083) and European (Finnish) in 1 of 25024 chromosomes (freq: 0.00004), but was not observed in the Ashkenazi Jewish, East Asian, or South Asian populations. The p.Thr1035 residue is not conserved in mammals and computational analyses (PolyPhen-2, SIFT, AlignGVGD, BLOSUM, MutationTaster) do not suggest a high likelihood of impact to the protein; however, this information is not predictive enough to rule out pathogenicity. The variant occurs outside of the splicing consensus sequence and in silico or computational prediction software programs (SpliceSiteFinder, MaxEntScan, NNSPLICE, GeneSplicer) do not predict a difference in splicing. In summary, based on the above information this variant meets our laboratory's criteria to be classified as benign.

NM_020754.4(ARHGAP31):c.3104C>T (p.Thr1035Ile)

Gene: ARHGAP31 (Rho GTPase activating protein 31; plus strand). Cytogenetic location: 3q13.33.
Variant type: single nucleotide variant.
Coding change: c.3104C>T on transcript NM_020754.4 (MANE Select); coding-DNA position 3104, C replaced by T.
Protein change: p.Thr1035Ile; replaces threonine 1035 with isoleucine.
Molecular consequence: missense variant.
Genome position (GRCh38, 1-based): chr3:119,415,033, C>T. VCF-style: chr3-119415033-C-T. GRCh37 (hg19) VCF-style: chr3-119133880-C-T.
Other names: c.3104C>T (NM_020754.3); short protein forms T1035I.
Identifiers: ClinVar variation 342665 (VCV000342665.23), dbSNP rs201997376, ClinGen allele CA2554148.